The following is an entry in ClinVar:

ClinVar aggregate classification (germline): Uncertain significance (1 of 4 stars; one submission).

Conditions:
Familial focal epilepsy with variable foci (FPEVF). Identifiers: Orphanet 98820, MedGen C1858477, MONDO:0020310.

Allele frequency attached by ClinVar (database versions not stated): gnomAD exomes below 0.00001.
gnomAD v4.1: 1 of 1,614,180 alleles (0.000062%); highest among the groups gnomAD compares: African/African-American, 0.0013%; no homozygotes.

Submission:

Labcorp Genetics (formerly Invitae), Labcorp
Classification: Uncertain significance for Familial focal epilepsy with variable foci. Last evaluated: 2023-06-22. Review status: criteria provided, single submitter. Criteria: Invitae Variant Classification Sherloc (09022015). Collection method: clinical testing. Allele origin: germline.
Comment: In summary, the available evidence is currently insufficient to determine the role of this variant in disease. Therefore, it has been classified as a Variant of Uncertain Significance. Experimental studies and prediction algorithms are not available or were not evaluated, and the functional significance of this variant is currently unknown. This variant has not been reported in the literature in individuals affected with DEPDC5-related conditions. This variant is not present in population databases (gnomAD no frequency). This sequence change replaces glutamine, which is neutral and polar, with arginine, which is basic and polar, at codon 675 of the DEPDC5 protein (p.Gln675Arg).

NM_001242896.3(DEPDC5):c.2024A>G (p.Gln675Arg)

Gene: DEPDC5 (DEP domain containing 5, GATOR1 subcomplex subunit; plus strand). Cytogenetic location: 22q12.3.
Variant type: single nucleotide variant.
Coding change: c.2024A>G on transcript NM_001242896.3 (MANE Select); coding-DNA position 2024, A replaced by G.
Protein change: p.Gln675Arg; replaces glutamine 675 with arginine.
Molecular consequence: missense variant. On other transcripts: non-coding transcript variant (4), intron variant (3).
Genome position (GRCh38, 1-based): chr22:31,822,710, A>G. VCF-style: chr22-31822710-A-G. GRCh37 (hg19) VCF-style: chr22-32218696-A-G.
Other names: c.2024A>G, p.Gln675Arg (NM_001136029.4, NM_001363852.2, NM_001364318.2 and 3 more transcripts); c.1940A>G, p.Gln647Arg (NM_001369901.1, NM_001369902.1); c.1870+3485A>G (NM_001363854.2, NM_001242897.2, NM_001364319.2); short protein forms Q647R, Q675R.
Identifiers: ClinVar variation 2820933 (VCV002820933.3), dbSNP rs2519485157, ClinGen allele CA411283174.